The following is an entry in ClinVar:

ClinVar aggregate classification (germline): Pathogenic (1 of 4 stars; one submission).

Conditions:
Early-infantile DEE. Also called: Ohtahara syndrome; Early infantile epileptic encephalopathy with suppression bursts; Early infantile epileptic encephalopathy. Identifiers: Orphanet 1934, MedGen C0393706, MONDO:0800491.

Submission:

Labcorp Genetics (formerly Invitae), Labcorp
Classification: Pathogenic for Early-infantile DEE. Last evaluated: 2023-05-23. Review status: criteria provided, single submitter. Criteria: Invitae Variant Classification Sherloc (09022015). Collection method: clinical testing. Allele origin: germline.
Comment: Variants that disrupt the consensus splice site are a relatively common cause of aberrant splicing (PMID: 17576681, 9536098). Algorithms developed to predict the effect of sequence changes on RNA splicing suggest that this variant may disrupt the consensus splice site. For these reasons, this variant has been classified as Pathogenic. ClinVar contains an entry for this variant (Variation ID: 2159356). This variant has been observed in individual(s) with clinical features of SCN1A-related conditions (PMID: 29655203; Invitae). In at least one individual the variant was observed to be de novo. This variant is not present in population databases (gnomAD no frequency). This sequence change falls in intron 25 of the SCN1A gene. It does not directly change the encoded amino acid sequence of the SCN1A protein. It affects a nucleotide within the consensus splice site.

Literature cited by the submitters: PubMed 17576681; PubMed 9536098; PubMed 29655203.

NM_001165963.4(SCN1A):c.4852+5G>C

Genes: SCN1A (sodium voltage-gated channel alpha subunit 1; minus strand), LOC102724058 (uncharacterized LOC102724058; plus strand). Cytogenetic location: 2q24.3.
Variant type: single nucleotide variant.
Coding change: c.4852+5G>C on transcript NM_001165963.4 (MANE Select); 5 bases into the intron after coding-DNA position 4852, G replaced by C.
Molecular consequence: intron variant.
Genome position (GRCh38, 1-based): chr2:165,994,141, C>G on the plus strand (G>C on the coding strand, the complement: SCN1A is on the minus strand). VCF-style: chr2-165994141-C-G. GRCh37 (hg19) VCF-style: chr2-166850651-C-G.
Other names: c.4819+5G>C (NM_001353949.2, NM_001353950.2, NM_001353951.2 and 2 more transcripts); c.4768+5G>C (NM_001353958.2, NM_001353957.2, NM_001165964.3); c.4852+5G>C (NM_001202435.3, NM_001353948.2); c.4816+5G>C (NM_001353955.2, NM_001353954.2); c.4765+5G>C (NM_001353960.2); c.2410+5G>C (NM_001353961.2).
Identifiers: ClinVar variation 2159356 (VCV002159356.4), dbSNP rs2468357258, ClinGen allele CA2580064272.
Genomic context (GRCh38, chr2:165,994,141, plus strand): 5'-TAATCTTGATTGTTTCAGCTTTCACTTTTATTTAACTGAATTTAAGAACTTTAAATATTT[C>G]TTACCTACAATGGAGAGAATGACAACCACAAAATCAAAAATATTCCATCCAATGGTAAAA-3'